The following is an entry in ClinVar:

NM_001142864.4(PIEZO1):c.1364C>T (p.Thr455Met)

Genes: HSALR1 (HSP90AB1 associated lncRNA 1; plus strand), PIEZO1 (piezo type mechanosensitive ion channel component 1 (Er blood group); minus strand). Cytogenetic location: 16q24.3.
Variant type: single nucleotide variant.
Coding change: c.1364C>T on transcript NM_001142864.4 (MANE Select); coding-DNA position 1364, C replaced by T.
Protein change: p.Thr455Met; replaces threonine 455 with methionine.
Molecular consequence: missense variant.
Genome position (GRCh38, 1-based): chr16:88,736,341, G>A on the plus strand (C>T on the coding strand, the complement: PIEZO1 is on the minus strand). VCF-style: chr16-88736341-G-A. GRCh37 (hg19) VCF-style: chr16-88802749-G-A.
Other names: p.Thr455Met; short protein forms T455M.
Identifiers: ClinVar variation 2683403 (VCV002683403.5), dbSNP rs184704952, ClinGen allele CA8233014.

ClinVar aggregate classification (germline): Conflicting classifications of pathogenicity. Review status: criteria provided, conflicting classifications (1 of 4 stars). 2 submissions from 2 submitters: Uncertain significance (1); Benign (1). Last evaluated 2025-07-08.

Allele frequency attached by ClinVar (database versions not stated): ExAC 0.00030; gnomAD 0.00038; 1000 Genomes Project 0.00040; ESP Exome Variant Server 0.00044; 1000 Genomes Project 30x 0.00047.
gnomAD v4.1: 155 of 1,550,032 alleles (0.01%); highest among the groups gnomAD compares: African/African-American, 0.1%; 1 homozygote.

Submissions (2):

Mayo Clinic Laboratories, Mayo Clinic
Classification: Uncertain significance. Last evaluated: 2025-07-08. Review status: criteria provided, single submitter. Criteria: ACMG Guidelines, 2015. Collection method: clinical testing. Allele origin: germline. Observed: 3 variant alleles.
Comment: BP4_strong

Labcorp Genetics (formerly Invitae), Labcorp
Classification: Benign. Last evaluated: 2024-03-04. Review status: criteria provided, single submitter. Criteria: Invitae Variant Classification Sherloc (09022015). Collection method: clinical testing. Allele origin: germline.